The following is an entry in ClinVar:

NM_001277115.2(DNAH11):c.8797+10C>T

Gene: DNAH11 (dynein axonemal heavy chain 11; plus strand). Cytogenetic location: 7p15.3.
Variant type: single nucleotide variant.
Coding change: c.8797+10C>T on transcript NM_001277115.2 (MANE Select); 10 bases into the intron after coding-DNA position 8797, C replaced by T.
Molecular consequence: intron variant.
Genome position (GRCh38, 1-based): chr7:21,749,811, C>T. VCF-style: chr7-21749811-C-T. GRCh37 (hg19) VCF-style: chr7-21789429-C-T.
Identifiers: ClinVar variation 4881308 (VCV004881308.2).

ClinVar aggregate classification (germline): Uncertain significance (1 of 4 stars; one submission).

Submission:

Dasa
Classification: Uncertain significance. Last evaluated: 2025-01-13. Review status: criteria provided, single submitter. Criteria: DASA Assertion Criteria. Collection method: clinical testing. Allele origin: germline.
Comment: NM_001277115.2(DNAH11):c.8797+10C>T is a splice-region variant. This variant is absent from population databases. Computational prediction algorithms are consistent with a benign effect. The currently available literature and clinical evidence are not sufficient to establish a definitive association between this variant and the reported condition. Therefore, this variant is classified as a variant of uncertain significance.